The following is an entry in ClinVar:

ClinVar aggregate classification (germline): Pathogenic (1 of 4 stars; one submission).

Conditions:
Seckel syndrome 6 (SCKL6). Identifiers: MedGen C3553582, MONDO:0013871, OMIM 614728.

Submission:

Women's Health and Genetics/Laboratory Corporation of America, LabCorp
Classification: Pathogenic for Seckel syndrome 6. Last evaluated: 2023-08-09. Review status: criteria provided, single submitter. Criteria: LabCorp Variant Classification Summary - May 2015. Collection method: clinical testing. Allele origin: germline.
Comment: Variant summary: CEP63 c.490C>T (p.Gln164X) results in a premature termination codon, predicted to cause a truncation of the encoded protein or absence of the protein due to nonsense mediated decay, which are commonly known mechanisms for disease. Variants downstream of this position have been classified as pathogenic in ClinVar. The variant was absent in 251406 control chromosomes (gnomAD). To our knowledge, no occurrence of c.490C>T in individuals affected with Seckel Syndrome 6 and no experimental evidence demonstrating its impact on protein function have been reported. No submitters have cited clinical-significance assessments for this variant to ClinVar after 2014. Based on the evidence outlined above, the variant was classified as pathogenic.

NM_001353108.3(CEP63):c.490C>T (p.Gln164Ter)

Gene: CEP63 (centrosomal protein 63; plus strand). Cytogenetic location: 3q22.2.
Variant type: single nucleotide variant.
Coding change: c.490C>T on transcript NM_001353108.3 (MANE Select); coding-DNA position 490, C replaced by T.
Protein change: p.Gln164Ter; replaces glutamine 164 with a stop codon.
Molecular consequence: nonsense. On other transcripts: non-coding transcript variant (4).
Genome position (GRCh38, 1-based): chr3:134,537,203, C>T. VCF-style: chr3-134537203-C-T. GRCh37 (hg19) VCF-style: chr3-134256045-C-T.
Other names: c.490C>T, p.Gln164Ter (NM_001042383.2, NM_001042384.2, NM_001042400.3 and 13 more transcripts); c.517C>T, p.Gln173Ter (NM_001353118.1); c.406C>T, p.Gln136Ter (NM_001353125.2); c.127C>T, p.Gln43Ter (NM_001353126.2); short protein forms Q136*, Q164*, Q173*, Q43*.
Identifiers: ClinVar variation 2581612 (VCV002581612.1), dbSNP rs2546848928, ClinGen allele CA354624418.